The following is an entry in ClinVar:

NM_001374736.1(DST):c.19475_19478del (p.Asp6492fs)

Gene: DST (dystonin; minus strand). Cytogenetic location: 6p12.1.
Variant type: Deletion.
Coding change: c.19475_19478del on transcript NM_001374736.1 (MANE Select); coding-DNA positions 19475 to 19478, 4 bases deleted (ACTG; older notation c.19475_19478delACTG).
Protein change: p.Asp6492fs; shifts the reading frame from aspartic acid 6492.
Molecular consequence: frameshift variant.
Genome position (GRCh38, 1-based): chr6:56,504,085-56,504,088, CAGT deleted on the plus strand (ACTG on the coding strand, the reverse complement: DST is on the minus strand); deleting any 4 consecutive bases within chr6:56,504,085-56,504,090 gives the same sequence; the c. name uses the placement nearest the transcript's 3' end. VCF-style (leftmost placement, unchanged base first): chr6-56504084-CCAGT-C. GRCh37 (hg19) VCF-style: chr6-56368882-CCAGT-C.
Other names: c.13118_13121del, p.Asp4373fs (NM_001144769.5); c.12704_12707del, p.Asp4235fs (NM_001144770.2); c.19475_19478del, p.Asp6492fs (NM_001374722.1); c.18515_18518del, p.Asp6172fs (NM_001374729.1); c.12257_12260del, p.Asp4086fs (NM_001374730.1); c.19502_19505del, p.Asp6501fs (NM_001374734.1); c.12584_12587del, p.Asp4195fs (NM_001386100.1, NM_183380.4); c.11606_11609del, p.Asp3869fs (NM_015548.5); short protein forms D6501fs, D6172fs, D6492fs, D3869fs, D4086fs, D4195fs, D4235fs, D4373fs.
Identifiers: ClinVar variation 2921924 (VCV002921924.3), dbSNP rs2534211602, ClinGen allele CA2578654317.
Genomic context (GRCh38, chr6:56,504,084, plus strand): 5'-AGTTTCGAGATCTGTTCCAATTGGAGACATTGAAGCTAATTTACCACCTGCAATATCTAC[CCAGT>C]CAAATACCGCCTGAAAGACACATTCGCCCACGTGTTGTTACAACAGTACATTTGAAATTG-3'

ClinVar aggregate classification (germline): Pathogenic (1 of 4 stars; one submission).

Conditions:
Hereditary sensory and autonomic neuropathy type 6. Also called: Neuropathy, hereditary sensory and autonomic, type VI; HSAN VI. Identifiers: Orphanet 314381, MedGen C3539003, MONDO:0013839, OMIM 614653.
Epidermolysis bullosa simplex 3, localized or generalized intermediate, with BP230 deficiency (EBS3). Also called: Epidermolysis bullosa simplex, autosomal recessive 2; Epidermolysis bullosa simplex due to BP230 deficiency. Identifiers: Orphanet 412181, MedGen C3809470, MONDO:0014180, OMIM 615425.

Submission:

Labcorp Genetics (formerly Invitae), Labcorp
Classification: Pathogenic for Epidermolysis bullosa simplex 3, localized or generalized intermediate, with BP230 deficiency; Hereditary sensory and autonomic neuropathy type 6. Last evaluated: 2024-01-04. Review status: criteria provided, single submitter. Criteria: Invitae Variant Classification Sherloc (09022015). Collection method: clinical testing. Allele origin: germline.
Comment: The DST gene has multiple clinically relevant transcripts. This variant occurs in alternate transcript NM_015548.4, and corresponds to NM_001723.5:c.*111429_*111432del in the primary transcript. This sequence change creates a premature translational stop signal (p.Asp3869Glyfs*2) in the DST gene. It is expected to result in an absent or disrupted protein product. Loss-of-function variants in DST are known to be pathogenic (PMID: 22522446, 25059916, 30371979). This variant is not present in population databases (gnomAD no frequency). This variant has not been reported in the literature in individuals affected with DST-related conditions. For these reasons, this variant has been classified as Pathogenic.

Literature cited by the submitters: PubMed 22522446; PubMed 25059916; PubMed 30371979.